The following is an entry in ClinVar:

NM_001201543.2(FAM161A):c.1821G>C (p.Lys607Asn)

Gene: FAM161A (FAM161 centrosomal protein A; minus strand). Cytogenetic location: 2p15.
Variant type: single nucleotide variant.
Coding change: c.1821G>C on transcript NM_001201543.2 (MANE Select); coding-DNA position 1821, G replaced by C.
Protein change: p.Lys607Asn; replaces lysine 607 with asparagine.
Molecular consequence: missense variant. On other transcripts: non-coding transcript variant (1).
Genome position (GRCh38, 1-based): chr2:61,836,040, C>G on the plus strand (G>C on the coding strand, the complement: FAM161A is on the minus strand). VCF-style: chr2-61836040-C-G. GRCh37 (hg19) VCF-style: chr2-62063175-C-G.
Other names: c.1653G>C, p.Lys551Asn (NM_032180.3); short protein forms K551N, K607N.
Identifiers: ClinVar variation 965597 (VCV000965597.8), dbSNP rs777678039, ClinGen allele CA1679025.

ClinVar aggregate classification (germline): Uncertain significance. Review status: criteria provided, multiple submitters, no conflicts (2 of 4 stars). 3 submissions from 3 submitters: Uncertain significance (2). 1 of the submissions does not count toward it. Last evaluated 2024-08-05.

Conditions:
Retinitis pigmentosa 28 (RP28). Identifiers: Orphanet 791, MedGen C1419614, MONDO:0011630, OMIM 606068.

Allele frequency attached by ClinVar (database versions not stated): gnomAD exomes below 0.00001; TOPMed below 0.00001; ExAC 0.00001; gnomAD 0.00001.
gnomAD v4.1: 4 of 1,609,758 alleles (0.00025%); highest among the groups gnomAD compares: Admixed American, 0.005%; no homozygotes.

Submissions (3):

Blueprint Genetics
Classification: Uncertain significance. Last evaluated: 2024-08-05. Review status: criteria provided, single submitter. Criteria: ACMG Guidelines, 2015. Collection method: clinical testing. Allele origin: germline.

Labcorp Genetics (formerly Invitae), Labcorp
Classification: Uncertain significance. Last evaluated: 2022-08-15. Review status: criteria provided, single submitter. Criteria: Invitae Variant Classification Sherloc (09022015). Collection method: clinical testing. Allele origin: germline.
Comment: This sequence change replaces lysine, which is basic and polar, with asparagine, which is neutral and polar, at codon 607 of the FAM161A protein (p.Lys607Asn). This variant is present in population databases (rs777678039, gnomAD 0.003%). This variant has not been reported in the literature in individuals affected with FAM161A-related conditions. ClinVar contains an entry for this variant (Variation ID: 965597). Algorithms developed to predict the effect of missense changes on protein structure and function output the following: SIFT: "Tolerated"; PolyPhen-2: "Benign"; Align-GVGD: "Class C0". The asparagine amino acid residue is found in multiple mammalian species, which suggests that this missense change does not adversely affect protein function. In summary, the available evidence is currently insufficient to determine the role of this variant in disease. Therefore, it has been classified as a Variant of Uncertain Significance.

Natera, Inc.
Classification: Uncertain significance for Retinitis pigmentosa type 28. Last evaluated: 2020-08-21. Review status: no assertion criteria provided. Collection method: clinical testing. Allele origin: germline. Not counted in ClinVar's aggregate classification.